The following is an entry in ClinVar:

ClinVar aggregate classification (germline): Uncertain significance. Review status: criteria provided, multiple submitters, no conflicts (2 of 4 stars). 2 submissions from 2 submitters: Uncertain significance (2). Last evaluated 2022-06-03.

Conditions:
Inborn genetic diseases. Identifiers: MedGen C0950123, MeSH D030342.

Allele frequency attached by ClinVar (database versions not stated): gnomAD exomes 0.00002; ExAC 0.00006; gnomAD 0.00015; TOPMed 0.00015; ESP Exome Variant Server 0.00016.
gnomAD v4.1: 48 of 1,609,012 alleles (0.003%); highest among the groups gnomAD compares: African/African-American, 0.056%; no homozygotes.

Submissions (2):

Ambry Genetics
Classification: Uncertain significance for Inborn genetic diseases. Last evaluated: 2022-06-03. Review status: criteria provided, single submitter. Criteria: Ambry Variant Classification Scheme 2023. Collection method: clinical testing. Allele origin: germline.

Labcorp Genetics (formerly Invitae), Labcorp
Classification: Uncertain significance. Last evaluated: 2022-05-10. Review status: criteria provided, single submitter. Criteria: Invitae Variant Classification Sherloc (09022015). Collection method: clinical testing. Allele origin: germline.
Comment: In summary, the available evidence is currently insufficient to determine the role of this variant in disease. Therefore, it has been classified as a Variant of Uncertain Significance. Algorithms developed to predict the effect of missense changes on protein structure and function are either unavailable or do not agree on the potential impact of this missense change (SIFT: "Tolerated"; PolyPhen-2: "Possibly Damaging"; Align-GVGD: "Class C0"). This variant has not been reported in the literature in individuals affected with CPAMD8-related conditions. This variant is present in population databases (rs200478115, gnomAD 0.06%). This sequence change replaces alanine, which is neutral and non-polar, with threonine, which is neutral and polar, at codon 537 of the CPAMD8 protein (p.Ala537Thr).

NM_015692.5(CPAMD8):c.1468G>A (p.Ala490Thr)

Gene: CPAMD8 (C3 and PZP like alpha-2-macroglobulin domain containing 8; minus strand). Cytogenetic location: 19p13.11.
Variant type: single nucleotide variant.
Coding change: c.1468G>A on transcript NM_015692.5 (MANE Select); coding-DNA position 1468, G replaced by A.
Protein change: p.Ala490Thr; replaces alanine 490 with threonine.
Molecular consequence: missense variant.
Genome position (GRCh38, 1-based): chr19:16,980,614, C>T on the plus strand (G>A on the coding strand, the complement: CPAMD8 is on the minus strand). VCF-style: chr19-16980614-C-T. GRCh37 (hg19) VCF-style: chr19-17091424-C-T.
Other names: short protein forms A490T.
Identifiers: ClinVar variation 2070124 (VCV002070124.5), dbSNP rs200478115, ClinGen allele CA9285696.